The following is an entry in ClinVar:

ClinVar aggregate classification (germline): Likely benign (1 of 4 stars; one submission).

Conditions:
Griscelli syndrome type 2 (GS2). Also called: GRISCELLI SYNDROME WITH HEMOPHAGOCYTIC SYNDROME; PAID SYNDROME; PARTIAL ALBINISM AND IMMUNODEFICIENCY SYNDROME. Identifiers: Orphanet 381, Orphanet 79477, MedGen C1868679, MONDO:0011872, OMIM 607624.

Allele frequency attached by ClinVar (database versions not stated): gnomAD 0.00054 and 0.00074; TOPMed 0.00088; 1000 Genomes Project 30x 0.00312; 1000 Genomes Project 0.00319.

Submission:

Illumina Laboratory Services, Illumina
Classification: Likely benign for Griscelli syndrome type 2. Last evaluated: 2018-01-12. Review status: criteria provided, single submitter. Criteria: ICSL Variant Classification Criteria 13 December 2019. Collection method: clinical testing. Allele origin: germline.
Comment: This variant was observed in the ICSL laboratory as part of a predisposition screen in an ostensibly healthy population. It had not been previously curated by ICSL or reported in the Human Gene Mutation Database (HGMD: prior to June 1st, 2018), and was therefore a candidate for classification through an automated scoring system. Utilizing variant allele frequency, disease prevalence and penetrance estimates, and inheritance mode, an automated score was calculated to assess if this variant is too frequent to cause the disease. Based on the score and internal cut-off values, a variant classified as likely benign is not then subjected to further curation. The score for this variant resulted in a classification of likely benign for this disease.

NM_183235.3(RAB27A):c.*725C>T

Gene: RAB27A (RAB27A, member RAS oncogene family; minus strand). Cytogenetic location: 15q21.3.
Variant type: single nucleotide variant.
Coding change: c.*725C>T on transcript NM_183235.3 (MANE Select); 725 bases downstream of the stop codon, C replaced by T.
Molecular consequence: 3 prime UTR variant.
Genome position (GRCh38, 1-based): chr15:55,204,782, G>A on the plus strand (C>T on the coding strand, the complement: RAB27A is on the minus strand). VCF-style: chr15-55204782-G-A. GRCh37 (hg19) VCF-style: chr15-55496980-G-A.
Other names: c.*725C>T (NM_004580.5, NM_183234.3, NM_183236.3).
Identifiers: ClinVar variation 885880 (VCV000885880.4), dbSNP rs116903039, ClinGen allele CA271242047.